The following is an entry in ClinVar:

ClinVar aggregate classification (germline): Uncertain significance (1 of 4 stars; one submission).

Allele frequency attached by ClinVar (database versions not stated): gnomAD 0.00001; TOPMed 0.00001; gnomAD exomes 0.00002.
gnomAD v4.1: 26 of 1,613,916 alleles (0.0016%); highest among the groups gnomAD compares: Non-Finnish European, 0.0022%; no homozygotes.

Submission:

Labcorp Genetics (formerly Invitae), Labcorp
Classification: Uncertain significance. Last evaluated: 2022-11-05. Review status: criteria provided, single submitter. Criteria: Invitae Variant Classification Sherloc (09022015). Collection method: clinical testing. Allele origin: germline.
Comment: In summary, the available evidence is currently insufficient to determine the role of this variant in disease. Therefore, it has been classified as a Variant of Uncertain Significance. Algorithms developed to predict the effect of missense changes on protein structure and function are either unavailable or do not agree on the potential impact of this missense change (SIFT: "Tolerated"; PolyPhen-2: "Possibly Damaging"; Align-GVGD: "Class C0"). This variant has not been reported in the literature in individuals affected with ADGRB2-related conditions. This variant is present in population databases (rs755968306, gnomAD 0.002%). This sequence change replaces serine, which is neutral and polar, with alanine, which is neutral and non-polar, at codon 1009 of the ADGRB2 protein (p.Ser1009Ala).

NM_001364857.2(ADGRB2):c.3025T>G (p.Ser1009Ala)

Gene: ADGRB2 (adhesion G protein-coupled receptor B2; minus strand). Cytogenetic location: 1p35.2.
Variant type: single nucleotide variant.
Coding change: c.3025T>G on transcript NM_001364857.2 (MANE Select); coding-DNA position 3025, T replaced by G.
Protein change: p.Ser1009Ala; replaces serine 1009 with alanine.
Molecular consequence: missense variant.
Genome position (GRCh38, 1-based): chr1:31,736,678, A>C on the plus strand (T>G on the coding strand, the complement: ADGRB2 is on the minus strand). VCF-style: chr1-31736678-A-C. GRCh37 (hg19) VCF-style: chr1-32202279-A-C.
Other names: c.3025T>G, p.Ser1009Ala (NM_001294335.2, NM_001294336.2, NM_001703.2); short protein forms S1009A.
Identifiers: ClinVar variation 2885190 (VCV002885190.3), dbSNP rs755968306, ClinGen allele CA20171965.
Genomic context (GRCh38, chr1:31,736,678, plus strand): 5'-TCCGCCCAATGACAGCCAGGTAGGACTGCCAGGCCTCGGTAAGCACCCAGCAAAAGGAGG[A>C]GAGAAAGAAGAAGTGCAGGAAGGCAGCCGTCATGGTGCACACGCCCTGCAGGGAGAGGGA-3'
Protein context (NP_001351786.1, residues 999-1019): TAAFLHFFFL[Ser1009Ala]SFCWVLTEAW